The following is an entry in ClinVar:

NM_001193315.2(VIPAS39):c.-1+160T>C

Gene: VIPAS39 (VPS33B interacting protein, apical-basolateral polarity regulator, spe-39 homolog; minus strand). Cytogenetic location: 14q24.3.
Variant type: single nucleotide variant.
Coding change: c.-1+160T>C on transcript NM_001193315.2 (MANE Select); 160 bases into the intron after 1 bases upstream of the start codon, T replaced by C.
Molecular consequence: intron variant. On other transcripts: 5 prime UTR variant (9).
Genome position (GRCh38, 1-based): chr14:77,457,335, A>G on the plus strand (T>C on the coding strand, the complement: VIPAS39 is on the minus strand). VCF-style: chr14-77457335-A-G. GRCh37 (hg19) VCF-style: chr14-77923678-A-G.
Other names: c.-241T>C (NM_001193314.2, NM_001400324.1, NM_001400325.1 and 5 more transcripts); c.-18T>C (NM_001193317.2); c.-1+160T>C (NM_001400337.1, NM_001193316.2, NM_001400333.1 and 6 more transcripts).
Identifiers: ClinVar variation 3251752 (VCV003251752.1), dbSNP rs562199500.

ClinVar aggregate classification (germline): Likely benign (1 of 4 stars; one submission).

Allele frequency attached by ClinVar (database versions not stated): 1000 Genomes Project 30x 0.00031; 1000 Genomes Project 0.00040; gnomAD 0.00097; ExAC 0.00130; TOPMed 0.00143; gnomAD exomes 0.00165.
gnomAD v4.1: 2,443 of 1,535,630 alleles (0.16%); highest among the groups gnomAD compares: Non-Finnish European, 0.19%; 4 homozygotes.

Submission:

Women's Health and Genetics/Laboratory Corporation of America, LabCorp
Classification: Likely benign. Last evaluated: 2024-04-23. Review status: criteria provided, single submitter. Criteria: LabCorp Variant Classification Summary - May 2015. Collection method: clinical testing. Allele origin: germline.
Comment: Variant summary: VIPAS39 c.-241T>C alters a non-conserved nucleotide located located in the untranslated mRNA region upstream of the initiation codon. Consensus agreement among computation tools predict no significant impact on normal splicing. However, these predictions have yet to be confirmed by functional studies. The variant allele was found at a frequency of 0.0016 in 1535630 control chromosomes in the gnomAD database (v4.1 dataset), including 4 homozygotes. To our knowledge, no occurrence of c.-241T>C in individuals affected with Arthrogryposis, Renal Dysfunction, And Cholestasis 2 and no experimental evidence demonstrating its impact on protein function have been reported. No submitters have cited clinical-significance assessments for this variant to ClinVar. Based on the evidence outlined above, the variant was classified as likely benign.